The following is an entry in ClinVar:

NM_001481.3(DRC4):c.1394C>G (p.Thr465Arg)

Gene: DRC4 (dynein regulatory complex subunit 4; plus strand). Cytogenetic location: 16q24.3.
Variant type: single nucleotide variant.
Coding change: c.1394C>G on transcript NM_001481.3 (MANE Select); coding-DNA position 1394, C replaced by G.
Protein change: p.Thr465Arg; replaces threonine 465 with arginine.
Molecular consequence: missense variant. On other transcripts: non-coding transcript variant (1).
Genome position (GRCh38, 1-based): chr16:90,043,302, C>G. VCF-style: chr16-90043302-C-G. GRCh37 (hg19) VCF-style: chr16-90109710-C-G.
Other names: c.1145C>G, p.Thr382Arg (NM_001286205.2); c.818C>G, p.Thr273Arg (NM_001286208.2); c.1319C>G, p.Thr440Arg (NM_001286209.2); short protein forms T440R, T465R, T382R, T273R.
Identifiers: ClinVar variation 3645508 (VCV003645508.2).

ClinVar aggregate classification (germline): Uncertain significance (1 of 4 stars; one submission).

Conditions:
Primary ciliary dyskinesia 33. Also called: CILIARY DYSKINESIA, PRIMARY, 33, WITHOUT SITUS INVERSUS. Identifiers: Orphanet 244, MedGen C4225230, MONDO:0014750, OMIM 616726.

Submission:

Labcorp Genetics (formerly Invitae), Labcorp
Classification: Uncertain significance for Primary ciliary dyskinesia 33. Last evaluated: 2024-04-07. Review status: criteria provided, single submitter. Criteria: Invitae Variant Classification Sherloc (09022015). Collection method: clinical testing. Allele origin: germline.
Comment: This sequence change replaces threonine, which is neutral and polar, with arginine, which is basic and polar, at codon 465 of the GAS8 protein (p.Thr465Arg). This variant is not present in population databases (gnomAD no frequency). This variant has not been reported in the literature in individuals affected with GAS8-related conditions. An algorithm developed to predict the effect of missense changes on protein structure and function (PolyPhen-2) suggests that this variant is likely to be tolerated. In summary, the available evidence is currently insufficient to determine the role of this variant in disease. Therefore, it has been classified as a Variant of Uncertain Significance.